The following is an entry in ClinVar:

ClinVar aggregate classification (germline): Uncertain significance (1 of 4 stars; one submission).

Conditions:
POLD1-related polyposis and colorectal cancer syndrome (CRCS10). Also called: Colorectal cancer 10; COLORECTAL CANCER, SUSCEPTIBILITY TO, ON CHROMOSOME 19q; Colorectal cancer, susceptibility to, 10. Identifiers: Orphanet 220460, MedGen C2675481, MONDO:0012953, OMIM 612591.

Submission:

Labcorp Genetics (formerly Invitae), Labcorp
Classification: Uncertain significance for POLD1-related polyposis and colorectal cancer syndrome. Last evaluated: 2024-09-16. Review status: criteria provided, single submitter. Criteria: Invitae Variant Classification Sherloc (09022015). Collection method: clinical testing. Allele origin: germline.
Comment: This variant, c.2555_2563del, results in the deletion of 3 amino acid(s) of the POLD1 protein (p.Leu852_Asp854del), but otherwise preserves the integrity of the reading frame. This variant is not present in population databases (gnomAD no frequency). This variant has not been reported in the literature in individuals affected with POLD1-related conditions. Experimental studies and prediction algorithms are not available or were not evaluated, and the functional significance of this variant is currently unknown. In summary, the available evidence is currently insufficient to determine the role of this variant in disease. Therefore, it has been classified as a Variant of Uncertain Significance.

NM_002691.4(POLD1):c.2555_2563del (p.Leu852_Asp854del)

Gene: POLD1 (DNA polymerase delta 1, catalytic subunit; plus strand). Cytogenetic location: 19q13.33.
Variant type: Deletion.
Coding change: c.2555_2563del on transcript NM_002691.4 (MANE Select); coding-DNA positions 2555 to 2563, 9 bases deleted (TCATCGACC; older notation c.2555_2563delTCATCGACC).
Protein change: p.Leu852_Asp854del.
Molecular consequence: non-coding transcript variant (on NR_046402.2).
Genome position (GRCh38, 1-based): chr19:50,414,981-50,414,989, TCATCGACC deleted; deleting any 9 consecutive bases within chr19:50,414,980-50,414,989 gives the same sequence; the c. name uses the placement nearest the transcript's 3' end. VCF-style (leftmost placement, unchanged base first): chr19-50414979-GCTCATCGAC-G. GRCh37 (hg19) VCF-style: chr19-50918236-GCTCATCGAC-G.
Other names: c.2555_2563del, p.Leu852_Asp854del (NM_001256849.1); c.2633_2641del, p.Leu878_Asp880del (NM_001308632.1).
Identifiers: ClinVar variation 3717572 (VCV003717572.2).
Genomic context (GRCh38, chr19:50,414,979, plus strand): 5'-CGTGCGCAGGGACAACTGCCCCCTCGTGGCCAACCTGGTCACTGCCTCACTGCGCCGCCT[GCTCATCGAC>G]CGGTGTGTGGGGCCTCCTCCCTCAGACTCAGGGGGCTGGGCCCCAAACCCCTCCTCCCTC-3'